The following is an entry in ClinVar:

ClinVar aggregate classification (germline): Conflicting classifications of pathogenicity. Review status: criteria provided, conflicting classifications (1 of 4 stars). 11 submissions from 11 submitters: Uncertain significance (1); Benign (1); Likely benign (6). 3 of the submissions do not count toward it. Last evaluated 2025-10-09.

Conditions:
Polycystic kidney disease. Also called: Kidney, Polycystic; Polycystic kidney dysplasia. Identifiers: MedGen C0022680, MeSH D007690, MONDO:0020642, HP:0000113.
Autosomal dominant polycystic kidney disease. Identifiers: Orphanet 730, MedGen C0085413, MONDO:0004691.
Polycystic kidney disease, adult type (PKD1). Also called: POLYCYSTIC KIDNEY DISEASE, ADULT, TYPE I; Polycystic Kidney, Autosomal Dominant; POLYCYSTIC KIDNEY DISEASE 1 WITH OR WITHOUT POLYCYSTIC LIVER DISEASE; Polycystic Kidney Disease 1, Autosomal Dominant; Polycystic kidney disease 1; Polycystic kidney disease 1, severe. Identifiers: MedGen C3149841, MONDO:0008263, OMIM 173900.

Allele frequency attached by ClinVar (database versions not stated): ESP Exome Variant Server 0.00024; gnomAD 0.00059 and 0.00066; TOPMed 0.00063; gnomAD exomes 0.00089 and 0.00142; ExAC 0.00347.
gnomAD v4.1: 1,423 of 1,589,016 alleles (0.09%); highest among the groups gnomAD compares: Middle Eastern, 0.98%; 10 homozygotes.

Submissions (11):

Women's Health and Genetics/Laboratory Corporation of America, LabCorp
Classification: Uncertain significance. Last evaluated: 2025-10-09. Review status: criteria provided, single submitter. Criteria: LabCorp Variant Classification Summary - May 2015. Collection method: clinical testing. Allele origin: germline.
Comment: Variant summary: PKD1 c.8111C>T (p.Ala2704Val) results in a non-conservative amino acid change in the encoded protein sequence. Algorithms developed to predict the effect of missense changes on protein structure and function are either unavailable or do not agree on the potential impact of this missense change. The variant allele was found at a frequency of 0.0014 in 156602 control chromosomes. This frequency is not significantly higher than estimated for disease-causing variants in PKD1, allowing no conclusion about variant significance. c.8111C>T has been observed in the presumed heterozygous state in multiple individuals affected with autosomal dominant Polycystic Kidney Disease 1 or intracranial aneurysm, without strong evidence for causality, and at least 1 of these individuals carried at least 1 other pathogenic variant in PKD1 (example, Zacchia_2021, Bataille_2011, Mallawaarachchi_2021, Hirota_2016). These reports do not provide unequivocal conclusions about association of the variant with PKD1-related conditions. To our knowledge, no experimental evidence demonstrating an impact on protein function has been reported. The following publications have been ascertained in the context of this evaluation (PMID: 33964006, 25757501, 22008521, 33437033, 27567292). ClinVar contains an entry for this variant (Variation ID: 440103). Based on the evidence outlined above, the variant was classified as uncertain significance.

CeGaT Center for Human Genetics Tuebingen
Classification: Likely benign. Last evaluated: 2025-03-01. Review status: criteria provided, single submitter. Criteria: CeGaT Center For Human Genetics Tuebingen Variant Classification Criteria Version 2. Collection method: clinical testing. Allele origin: germline. Affected: yes. Observed: 5 variant alleles.
Comment: PKD1: BP4, BS2

Blueprint Genetics
Classification: Likely benign. Last evaluated: 2024-11-26. Review status: criteria provided, single submitter. Criteria: ACMG Guidelines, 2015. Collection method: clinical testing. Allele origin: germline.

Fulgent Genetics
Classification: Likely benign for Polycystic kidney disease, adult type. Last evaluated: 2021-11-02. Review status: criteria provided, single submitter. Criteria: ACMG Guidelines, 2015. Collection method: clinical testing. Allele origin: unknown.

Molecular Genetics of Inherited Kidney Disorders Laboratory, Garvan Institute of Medical Research
Classification: Likely benign for Autosomal dominant polycystic kidney disease. Last evaluated: 2019-01-01. Review status: criteria provided, single submitter. Criteria: ACMG Guidelines, 2015. Collection method: research. Allele origin: germline. Affected: yes.

Athena Diagnostics
Classification: Benign. Last evaluated: 2018-06-08. Review status: criteria provided, single submitter. Criteria: Athena Diagnostics Criteria. Collection method: clinical testing. Allele origin: germline.

ARUP Laboratories, Molecular Genetics and Genomics, ARUP Laboratories
Classification: Likely benign. Last evaluated: 2016-12-02. Review status: criteria provided, single submitter. Criteria: ARUP Molecular Germline Variant Investigation Process. Collection method: clinical testing. Allele origin: germline.

Breakthrough Genomics
Classification: Likely benign. Review status: criteria provided, single submitter. Criteria: ACMG Guidelines, 2015. Collection method: not provided. Allele origin: germline. Inheritance: Autosomal dominant inheritance. Affected: yes.

Clinical Genetics DNA and cytogenetics Diagnostics Lab, Erasmus MC, Erasmus Medical Center
Classification: Likely benign. Review status: no assertion criteria provided. Collection method: clinical testing. Allele origin: germline. Affected: yes. Study: VKGL Data-share Consensus. Not counted in ClinVar's aggregate classification.

Department of Pathology and Laboratory Medicine, Sinai Health System
Classification: Likely benign for Polycystic Kidney disease. Review status: no assertion criteria provided. Collection method: clinical testing. Allele origin: unknown. Affected: yes. Study: The Canadian Open Genetics Repository (COGR). Not counted in ClinVar's aggregate classification.
Comment: The PKD1 p.Ala2704Val variant was identified in 1 of 74 proband chromosomes (frequency: 0.01) from individuals or families with ADPKD (Bataille 2011). The variant was also identified in dbSNP (ID: rs200509641), LOVD 3.0 (2X), and the ADPKD Mutation Database (likely neutral). The variant was not identified in ClinVar, COGR, or PKD1-LOVD databases. The variant was identified in control databases in 239 of 180276 chromosomes at a frequency of 0.001 in the following populations: South Asian in 125 of 23404 chromosomes (freq. 0.005), European in 70 of 73288 chromosomes (freq. 0.001), Finnish in 19 of 15662 chromosomes (freq. 0.001), Other in 8 of 4820 chromosomes (freq. 0.002), Latino in 7 of 25668 chromosomes (freq. 0.0003), East Asian in 4 of 13122 chromosomes (freq.0.0003), African in 3 of 15856 chromosomes (freq. 0.0002), Ashkenazi Jewish in 3 of 8466 chromosomes (freq. 0.0003), increasing the likelihood this could be a low frequency benign variant (Genome Aggregation Consortium Feb 27, 2017). In addition we cannot be certain that data from control databases is specific to PKD1 and not from one of the six PKD1 pseudogenes. The p.Ala2704 residue is not conserved in mammals and four out of five computational analyses (PolyPhen-2, SIFT, AlignGVGD, BLOSUM, MutationTaster) do not suggest a high likelihood of impact to the protein; however, this information is not predictive enough to rule out pathogenicity. The variant occurs outside of the splicing consensus sequence and 2 of 5 in silico or computational prediction software programs (SpliceSiteFinder, MaxEntScan, NNSPLICE, GeneSplicer, HumanSpliceFinder) predict a greater than 10% difference in splicing; this is not very predictive of pathogenicity. In summary, based on the above information, the clinical significance of this variant cannot be determined with certainty at this time although we would lean towards a more benign role for this variant. This variant is classified as likely benign.

Genome Diagnostics Laboratory, University Medical Center Utrecht
Classification: Likely benign. Review status: no assertion criteria provided. Collection method: clinical testing. Allele origin: germline. Affected: yes. Study: VKGL Data-share Consensus. Not counted in ClinVar's aggregate classification.

Literature cited by the submitters: PubMed 33964006 (cited by Women's Health and Genetics/Laboratory Corporation of America, LabCorp); PubMed 33437033 (cited by Women's Health and Genetics/Laboratory Corporation of America, LabCorp); PubMed 22008521 (cited by Women's Health and Genetics/Laboratory Corporation of America, LabCorp and Athena Diagnostics); PubMed 27567292 (cited by Women's Health and Genetics/Laboratory Corporation of America, LabCorp and Athena Diagnostics); PubMed 25757501 (cited by Women's Health and Genetics/Laboratory Corporation of America, LabCorp).

NM_001009944.3(PKD1):c.8111C>T (p.Ala2704Val)

Gene: PKD1 (polycystin 1, transient receptor potential channel interacting; minus strand). Cytogenetic location: 16p13.3.
Variant type: single nucleotide variant.
Coding change: c.8111C>T on transcript NM_001009944.3 (MANE Select); coding-DNA position 8111, C replaced by T.
Protein change: p.Ala2704Val; replaces alanine 2704 with valine.
Molecular consequence: missense variant.
Genome position (GRCh38, 1-based): chr16:2,104,548, G>A on the plus strand (C>T on the coding strand, the complement: PKD1 is on the minus strand). VCF-style: chr16-2104548-G-A. GRCh37 (hg19) VCF-style: chr16-2154549-G-A.
Other names: c.8111C>T, p.Ala2704Val (NM_000296.4); short protein forms A2704V.
Identifiers: ClinVar variation 440103 (VCV000440103.40), dbSNP rs200509641, ClinGen allele CA7830720.